The following is an entry in ClinVar:

NM_000245.4(MET):c.85G>C (p.Ala29Pro)

Gene: MET (MET proto-oncogene, receptor tyrosine kinase; plus strand). Cytogenetic location: 7q31.2.
Variant type: single nucleotide variant.
Coding change: c.85G>C on transcript NM_000245.4 (MANE Select); coding-DNA position 85, G replaced by C.
Protein change: p.Ala29Pro; replaces alanine 29 with proline.
Molecular consequence: missense variant. On other transcripts: intron variant (1).
Genome position (GRCh38, 1-based): chr7:116,699,169, G>C. VCF-style: chr7-116699169-G-C. GRCh37 (hg19) VCF-style: chr7-116339223-G-C.
Other names: c.85G>C, p.Ala29Pro (NM_001127500.3, NM_001324401.3); c.-91+26592G>C (NM_001324402.2); short protein forms A29P.
Identifiers: ClinVar variation 1350657 (VCV001350657.11), dbSNP rs765246117, ClinGen allele CA4447942.

ClinVar aggregate classification (germline): Uncertain significance. Review status: criteria provided, multiple submitters, no conflicts (2 of 4 stars). 2 submissions from 2 submitters: Uncertain significance (2). Last evaluated 2026-01-20.

Conditions:
Hereditary cancer-predisposing syndrome. Also called: Hereditary neoplastic syndrome; Tumor predisposition; Neoplastic Syndromes, Hereditary; Hereditary Cancer Syndrome. Identifiers: Orphanet 140162, MedGen C0027672, MeSH D009386, MONDO:0015356.
Renal cell carcinoma. Identifiers: Orphanet 217071, MedGen C0007134, MeSH D002292, MONDO:0005086, HP:0005584.

Allele frequency attached by ClinVar (database versions not stated): gnomAD exomes below 0.00001; TOPMed below 0.00001; ExAC 0.00001.

Submissions (2):

Labcorp Genetics (formerly Invitae), Labcorp
Classification: Uncertain significance for Renal cell carcinoma. Last evaluated: 2026-01-20. Review status: criteria provided, single submitter. Criteria: Invitae Variant Classification Sherloc (09022015). Collection method: clinical testing. Allele origin: germline.
Comment: This sequence change replaces alanine, which is neutral and non-polar, with proline, which is neutral and non-polar, at codon 29 of the MET protein (p.Ala29Pro). This variant is present in population databases (rs765246117, gnomAD 0.006%). This variant has not been reported in the literature in individuals affected with MET-related conditions. ClinVar contains an entry for this variant (Variation ID: 1350657). An algorithm developed to predict the effect of missense changes on protein structure and function (PolyPhen-2) suggests that this variant is likely to be disruptive. In summary, the available evidence is currently insufficient to determine the role of this variant in disease. Therefore, it has been classified as a Variant of Uncertain Significance.

Ambry Genetics
Classification: Uncertain significance for Hereditary cancer-predisposing syndrome. Last evaluated: 2024-09-24. Review status: criteria provided, single submitter. Criteria: Ambry Variant Classification Scheme 2023. Collection method: clinical testing. Allele origin: germline.
Comment: The p.A29P variant (also known as c.85G>C), located in coding exon 1 of the MET gene, results from a G to C substitution at nucleotide position 85. The alanine at codon 29 is replaced by proline, an amino acid with highly similar properties. This amino acid position is highly conserved in available vertebrate species. In addition, this alteration is predicted to be deleterious by in silico analysis. Since supporting evidence is limited at this time, the clinical significance of this alteration remains unclear.